The following is an entry in ClinVar:

ClinVar aggregate classification (germline): Likely benign (0 of 4 stars; one submission).

Conditions:
ANKFY1-related disorder. Also called: ANKFY1-related condition.

Allele frequency attached by ClinVar (database versions not stated): gnomAD 0.00031; TOPMed 0.00032; ExAC 0.00046; gnomAD exomes 0.00053; ESP Exome Variant Server 0.00057.
gnomAD v4.1: 809 of 1,596,328 alleles (0.051%); highest among the groups gnomAD compares: Non-Finnish European, 0.062%; 1 homozygote.

Submission:

PreventionGenetics, part of Exact Sciences
Classification: Likely benign for ANKFY1-related condition. Last evaluated: 2022-04-14. Review status: no assertion criteria provided. Collection method: clinical testing. Allele origin: germline.
Comment: This variant is classified as likely benign based on ACMG/AMP sequence variant interpretation guidelines (Richards et al. 2015 PMID: 25741868, with internal and published modifications).

NM_001330063.2(ANKFY1):c.2030G>A (p.Arg677Gln)

Gene: ANKFY1 (ankyrin repeat and FYVE domain containing 1; minus strand). Cytogenetic location: 17p13.2.
Variant type: single nucleotide variant.
Coding change: c.2030G>A on transcript NM_001330063.2 (MANE Select); coding-DNA position 2030, G replaced by A.
Protein change: p.Arg677Gln; replaces arginine 677 with glutamine.
Molecular consequence: missense variant. On other transcripts: non-coding transcript variant (1).
Genome position (GRCh38, 1-based): chr17:4,182,272, C>T on the plus strand (G>A on the coding strand, the complement: ANKFY1 is on the minus strand). VCF-style: chr17-4182272-C-T. GRCh37 (hg19) VCF-style: chr17-4085567-C-T.
Other names: c.2156G>A, p.Arg719Gln (NM_001257999.3); c.2033G>A, p.Arg678Gln (NM_016376.5); short protein forms R677Q, R678Q, R719Q.
Identifiers: ClinVar variation 3046649 (VCV003046649.2), dbSNP rs201910860, ClinGen allele CA8301257.